The following is an entry in ClinVar:

ClinVar aggregate classification (germline): Likely benign. Review status: criteria provided, multiple submitters, no conflicts (2 of 4 stars). 5 submissions from 5 submitters: Likely benign (5). Last evaluated 2026-09-01.

Conditions:
Familial thoracic aortic aneurysm and aortic dissection (TAAD). Also called: Thoracic aortic aneurysms and dissections. Identifiers: Orphanet 91387, MedGen C4707243, MONDO:0019625.
Loeys-Dietz syndrome 2 (LDS2). Also called: TGFBR2-Related Loeys-Dietz Syndrome; Marfan Syndrome type 2; Marfan like connective tissue disorder; MFS 2; AORTIC ANEURYSM, FAMILIAL THORACIC 3; MARFAN SYNDROME, TYPE II. Identifiers: Orphanet 284973, Orphanet 558, MedGen C2674574, MONDO:0012427, OMIM 610168.

Allele frequency attached by ClinVar (database versions not stated): 1000 Genomes Project 30x 0.00031; 1000 Genomes Project 0.00040.

Submissions (5):

CeGaT Center for Human Genetics Tuebingen
Classification: Likely benign. Last evaluated: 2026-09-01. Review status: criteria provided, single submitter. Criteria: CeGaT Center For Human Genetics Tuebingen Variant Classification Criteria Version 2. Collection method: clinical testing. Allele origin: germline. Affected: yes. Observed: 1 variant allele.
Comment: TGFBR2: BP4, BP7

Labcorp Genetics (formerly Invitae), Labcorp
Classification: Likely benign for Familial thoracic aortic aneurysm and aortic dissection. Last evaluated: 2024-11-05. Review status: criteria provided, single submitter. Criteria: Invitae Variant Classification Sherloc (09022015). Collection method: clinical testing. Allele origin: germline.

All of Us Research Program, National Institutes of Health
Classification: Likely benign for Loeys-Dietz syndrome 2. Last evaluated: 2023-08-15. Review status: criteria provided, single submitter. Criteria: ACMG Guidelines, 2015. Collection method: clinical testing. Allele origin: germline. Inheritance: Autosomal dominant inheritance. Observed: 1 variant allele, 1 heterozygote.
Comment: This study involves interpretation of variants in research participants for the purpose of population health screening. Participant phenotype was not available at the time of variant classification. Additional details can be found in publication PMID: 35346344, PMCID: PMC8962531

Ambry Genetics
Classification: Likely benign for Familial thoracic aortic aneurysm and aortic dissection. Last evaluated: 2019-07-01. Review status: criteria provided, single submitter. Criteria: Ambry Variant Classification Scheme 2023. Collection method: clinical testing. Allele origin: germline.

Color Diagnostics, LLC DBA Color Health
Classification: Likely benign for Familial thoracic aortic aneurysm and aortic dissection. Last evaluated: 2018-05-21. Review status: criteria provided, single submitter. Criteria: ACMG Guidelines, 2015. Collection method: clinical testing. Allele origin: germline.

NM_003242.6(TGFBR2):c.1335C>T (p.Thr445=)

Gene: TGFBR2 (transforming growth factor beta receptor 2; plus strand). Cytogenetic location: 3p24.1.
Variant type: single nucleotide variant.
Coding change: c.1335C>T on transcript NM_003242.6 (MANE Select); coding-DNA position 1335, C replaced by T.
Protein change: p.Thr445=; no amino-acid change (threonine 445 retained).
Molecular consequence: synonymous variant. On other transcripts: intron variant (1).
Genome position (GRCh38, 1-based): chr3:30,674,185, C>T. VCF-style: chr3-30674185-C-T. GRCh37 (hg19) VCF-style: chr3-30715677-C-T.
Other names: c.1410C>T, p.Thr470= (NM_001024847.3); c.1518C>T, p.Thr506= (NM_001407126.1); c.1443C>T, p.Thr481= (NM_001407127.1); c.1362C>T, p.Thr454= (NM_001407128.1); c.1338C>T, p.Thr446= (NM_001407129.1); c.1335C>T, p.Thr445= (NM_001407130.1); c.1230C>T, p.Thr410= (NM_001407132.1, NM_001407133.1, NM_001407134.1 and 2 more transcripts); c.1050C>T, p.Thr350= (NM_001407137.1); and 2 more.
Identifiers: ClinVar variation 628416 (VCV000628416.15), dbSNP rs546058122, ClinGen allele CA046368.